The following is an entry in ClinVar:

NM_001042492.3(NF1):c.3763_3764insTA (p.Gln1255fs)

Gene: NF1 (neurofibromin 1; plus strand). Cytogenetic location: 17q11.2.
Variant type: Insertion.
Coding change: c.3763_3764insTA on transcript NM_001042492.3 (MANE Select); coding-DNA positions 3763 to 3764, TA inserted.
Protein change: p.Gln1255fs; shifts the reading frame from glutamine 1255.
Molecular consequence: frameshift variant.
Genome position: GRCh38 VCF-style: chr17-31235665-C-CTA. GRCh37 (hg19) VCF-style: chr17-29562683-C-CTA.
Other names: c.3763_3764insTA, p.Gln1255Leufs (NM_000267.4); short protein forms Q1255fs.
Identifiers: ClinVar variation 1453889 (VCV001453889.6), dbSNP rs2151437838, ClinGen allele CA2573153379.
Genomic context (GRCh38, chr17:31,235,665, plus strand): 5'-TCTCAGGATGAACTAGCTCGAGTTCTGGTTACTCTGTTTGATTCTCGGCATTTACTCTAC[C>CTA]AACTGCTCTGGAACATGTTTTCTAAAGAAGTAGAATTGGCAGACTCCATGCAGACTCTCT-3'

ClinVar aggregate classification (germline): Pathogenic (1 of 4 stars; one submission).

Conditions:
Neurofibromatosis, type 1 (NF1). Also called: Neurofibromatosis, type I; VON RECKLINGHAUSEN DISEASE; NEUROFIBROMATOSIS, TYPE I, SOMATIC; Peripheral type neurofibromatosis. Identifiers: Orphanet 636, MedGen C0027831, MONDO:0018975, OMIM 162200. Disease mechanism: loss of function.

Submission:

Labcorp Genetics (formerly Invitae), Labcorp
Classification: Pathogenic for Neurofibromatosis, type 1. Last evaluated: 2021-10-04. Review status: criteria provided, single submitter. Criteria: Invitae Variant Classification Sherloc (09022015). Collection method: clinical testing. Allele origin: germline.
Comment: For these reasons, this variant has been classified as Pathogenic. This variant has not been reported in the literature in individuals affected with NF1-related conditions. This variant is not present in population databases (ExAC no frequency). This sequence change creates a premature translational stop signal (p.Gln1255Leufs*12) in the NF1 gene. It is expected to result in an absent or disrupted protein product. Loss-of-function variants in NF1 are known to be pathogenic (PMID: 10712197, 23913538).

Literature cited by the submitters: PubMed 10712197; PubMed 23913538.